The following is an entry in ClinVar:

NM_003119.4(SPG7):c.353G>A (p.Gly118Glu)

Gene: SPG7 (SPG7 matrix AAA peptidase subunit, paraplegin; plus strand). Cytogenetic location: 16q24.3.
Variant type: single nucleotide variant.
Coding change: c.353G>A on transcript NM_003119.4 (MANE Select); coding-DNA position 353, G replaced by A.
Protein change: p.Gly118Glu; replaces glycine 118 with glutamic acid.
Molecular consequence: missense variant.
Genome position (GRCh38, 1-based): chr16:89,513,014, G>A. VCF-style: chr16-89513014-G-A. GRCh37 (hg19) VCF-style: chr16-89579422-G-A.
Other names: c.353G>A, p.Gly118Glu (NM_001363850.1, NM_199367.3); short protein forms G118E.
Identifiers: ClinVar variation 1899293 (VCV001899293.6), dbSNP rs1277248146, ClinGen allele CA397417114.

ClinVar aggregate classification (germline): Uncertain significance. Review status: criteria provided, multiple submitters, no conflicts (2 of 4 stars). 2 submissions from 2 submitters: Uncertain significance (2). Last evaluated 2024-11-05.

Conditions:
Inborn genetic diseases. Identifiers: MedGen C0950123, MeSH D030342.
Hereditary spastic paraplegia 7 (SPG7). Also called: SPG7-related neurologic disorder; Autosomal recessive spastic paraplegia type 7; Spastic paraplegia 7; Hereditary spastic paraplegia Paraplegin type; SPASTIC PARAPLEGIA 7, AUTOSOMAL RECESSIVE, WITH OR WITHOUT CEREBELLAR ATAXIA. Identifiers: Orphanet 99013, MedGen C1846564, MONDO:0011803, OMIM 607259.

Allele frequency attached by ClinVar (database versions not stated): gnomAD 0.00001; TOPMed 0.00002.
gnomAD v4.1: 2 of 1,612,728 alleles (0.00012%); highest among the groups gnomAD compares: African/African-American, 0.0027%; no homozygotes.

Submissions (2):

Labcorp Genetics (formerly Invitae), Labcorp
Classification: Uncertain significance for Hereditary spastic paraplegia 7. Last evaluated: 2024-11-05. Review status: criteria provided, single submitter. Criteria: Invitae Variant Classification Sherloc (09022015). Collection method: clinical testing. Allele origin: germline.
Comment: This sequence change replaces glycine, which is neutral and non-polar, with glutamic acid, which is acidic and polar, at codon 118 of the SPG7 protein (p.Gly118Glu). This variant is present in population databases (no rsID available, gnomAD 0.02%). This variant has not been reported in the literature in individuals affected with SPG7-related conditions. ClinVar contains an entry for this variant (Variation ID: 1899293). Invitae Evidence Modeling of protein sequence and biophysical properties (such as structural, functional, and spatial information, amino acid conservation, physicochemical variation, residue mobility, and thermodynamic stability) indicates that this missense variant is not expected to disrupt SPG7 protein function with a negative predictive value of 95%. In summary, the available evidence is currently insufficient to determine the role of this variant in disease. Therefore, it has been classified as a Variant of Uncertain Significance.

Ambry Genetics
Classification: Uncertain significance for Inborn genetic diseases. Last evaluated: 2020-12-19. Review status: criteria provided, single submitter. Criteria: Ambry Variant Classification Scheme 2023. Collection method: clinical testing. Allele origin: germline.